The following is an entry in ClinVar:

ClinVar aggregate classification (germline): Conflicting classifications of pathogenicity. Review status: criteria provided, conflicting classifications (1 of 4 stars). 3 submissions from 3 submitters: Uncertain significance (2); Likely benign (1). Last evaluated 2025-12-29.

Conditions:
Familial thoracic aortic aneurysm and aortic dissection (TAAD). Also called: Thoracic aortic aneurysms and dissections. Identifiers: Orphanet 91387, MedGen C4707243, MONDO:0019625.
Congenital contractural arachnodactyly (CCA). Also called: BEALS SYNDROME; Beals-Hecht syndrome; Arthrogryposis, distal, type 9. Identifiers: Orphanet 115, MedGen C0220668, MONDO:0007363, OMIM 121050.

Allele frequency attached by ClinVar (database versions not stated): gnomAD 0.00001; TOPMed 0.00002.

Submissions (3):

Labcorp Genetics (formerly Invitae), Labcorp
Classification: Likely benign for Congenital contractural arachnodactyly. Last evaluated: 2025-12-29. Review status: criteria provided, single submitter. Criteria: Invitae Variant Classification Sherloc (09022015). Collection method: clinical testing. Allele origin: germline.

Ambry Genetics
Classification: Uncertain significance for Familial thoracic aortic aneurysm and aortic dissection. Last evaluated: 2017-02-13. Review status: criteria provided, single submitter. Criteria: Ambry Variant Classification Scheme 2023. Collection method: clinical testing. Allele origin: germline.
Comment: The p.H163R variant (also known as c.488A>G), located in coding exon 4 of the FBN2 gene, results from an A to G substitution at nucleotide position 488, and is located in an EGF-like domain. The histidine at codon 163 is replaced by arginine, an amino acid with highly similar properties. This amino acid position is not well conserved in available vertebrate species. In addition, this alteration is predicted to be tolerated by in silico analysis. Since supporting evidence is limited at this time, the clinical significance of this alteration remains unclear.

GeneDx
Classification: Uncertain significance. Last evaluated: 2016-07-07. Review status: criteria provided, single submitter. Criteria: GeneDx Variant Classification (06012015). Collection method: clinical testing. Allele origin: germline. Affected: yes.
Comment: A variant of uncertain significance has been identified in the FBN2 gene. The H163R variant has not been published as a pathogenic variant, nor has it been reported as a benign variant to our knowledge. The H163R variant was not observed in approximately 6,500 individuals of European and African American ancestry in the NHLBI Exome Sequencing Project, indicating it is not a common benign variant in these populations. This substitution occurs at a position that is conserved through mammals and in silico analysis predicts this variant is probably damaging to the protein structure/function. However, the H163R variant is a conservative amino acid substitution, which is not likely to impact secondary protein structure as these residues share similar properties. Finally, while the H163R variant is located in a calcium-binding EGF-like domain of the FBN2 gene, it does not affect a Cysteine residue within this domain of the FBN2 gene. Cysteine substitutions in the calcium-binding EGF-like domains represent the majority of pathogenic missense changes associated with CCA (Collod-Beroud et al., 2003; FrÃ©dÃ©ric et al., 2009).Therefore, based on the currently available information, it is unclear whether this variant is pathogenic or rare benign.

NM_001999.4(FBN2):c.488A>G (p.His163Arg)

Gene: FBN2 (fibrillin 2; minus strand). Cytogenetic location: 5q23.3.
Variant type: single nucleotide variant.
Coding change: c.488A>G on transcript NM_001999.4 (MANE Select); coding-DNA position 488, A replaced by G.
Protein change: p.His163Arg; replaces histidine 163 with arginine.
Molecular consequence: missense variant.
Genome position (GRCh38, 1-based): chr5:128,527,916, T>C on the plus strand (A>G on the coding strand, the complement: FBN2 is on the minus strand). VCF-style: chr5-128527916-T-C. GRCh37 (hg19) VCF-style: chr5-127863609-T-C.
Other names: short protein forms H163R.
Identifiers: ClinVar variation 387605 (VCV000387605.9), dbSNP rs1029299660, ClinGen allele CA16604692.